The following is an entry in ClinVar:

ClinVar aggregate classification (germline): Uncertain significance (1 of 4 stars; one submission).

Conditions:
Hypertrophic cardiomyopathy 14. Identifiers: MedGen C2750467, MONDO:0013197, OMIM 613251.

Allele frequency attached by ClinVar (database versions not stated): TOPMed 0.00002; gnomAD 0.00003.
gnomAD v4.1: 5 of 1,609,852 alleles (0.00031%); highest among the groups gnomAD compares: Admixed American, 0.0067%; no homozygotes.

Submission:

Labcorp Genetics (formerly Invitae), Labcorp
Classification: Uncertain significance for Hypertrophic cardiomyopathy 14. Last evaluated: 2022-11-08. Review status: criteria provided, single submitter. Criteria: Invitae Variant Classification Sherloc (09022015). Collection method: clinical testing. Allele origin: germline.
Comment: This sequence change falls in intron 36 of the MYH6 gene. It does not directly change the encoded amino acid sequence of the MYH6 protein. It affects a nucleotide within the consensus splice site. In summary, the available evidence is currently insufficient to determine the role of this variant in disease. Therefore, it has been classified as a Variant of Uncertain Significance. Variants that disrupt the consensus splice site are a relatively common cause of aberrant splicing (PMID: 17576681, 9536098). Algorithms developed to predict the effect of sequence changes on RNA splicing suggest that this variant is not likely to affect RNA splicing. This variant has not been reported in the literature in individuals affected with MYH6-related conditions. The frequency data for this variant in the population databases is considered unreliable, as metrics indicate poor data quality at this position in the gnomAD database.

Literature cited by the submitters: PubMed 17576681; PubMed 9536098.

NM_002471.4(MYH6):c.5565+3G>T

Gene: MYH6 (myosin heavy chain 6; minus strand). Cytogenetic location: 14q11.2.
Variant type: single nucleotide variant.
Coding change: c.5565+3G>T on transcript NM_002471.4 (MANE Select); 3 bases into the intron after coding-DNA position 5565, G replaced by T.
Molecular consequence: intron variant.
Genome position (GRCh38, 1-based): chr14:23,384,439, C>A on the plus strand (G>T on the coding strand, the complement: MYH6 is on the minus strand). VCF-style: chr14-23384439-C-A. GRCh37 (hg19) VCF-style: chr14-23853648-C-A.
Identifiers: ClinVar variation 2179155 (VCV002179155.4), dbSNP rs1325601781, ClinGen allele CA613317391.